The following is an entry in ClinVar:

NM_017780.4(CHD7):c.8955dup (p.Gly2986fs)

Gene: CHD7 (chromodomain helicase DNA binding protein 7; plus strand). Cytogenetic location: 8q12.2.
Variant type: Duplication.
Coding change: c.8955dup on transcript NM_017780.4 (MANE Select); coding-DNA position 8955, one base duplicated (T; older notation c.8955dupT).
Protein change: p.Gly2986fs; shifts the reading frame from glycine 2986.
Molecular consequence: frameshift variant.
Genome position (GRCh38, 1-based): chr8:60,865,894, T duplicated. VCF-style (leftmost placement, unchanged base first): chr8-60865893-A-AT. GRCh37 (hg19) VCF-style: chr8-61778452-A-AT.
Other names: c.2808dup, p.Gly937fs (NM_001316690.1); short protein forms G2986fs, G937fs.
Identifiers: ClinVar variation 3391296 (VCV003391296.3).
Genomic context (GRCh38, chr8:60,865,893, plus strand): 5'-CTGCAGAGTCCTCCCTCTTAGAAGACGAAATAGCACAGGGTGAAGAGCTAGACTCACTTG[A>AT]TGGGGGGGATGAAATAGAAAACAATGAAAATGATGAATAACCAGTACCAGTTCCAGTTCA-3'

ClinVar aggregate classification (germline): Conflicting classifications of pathogenicity. Review status: criteria provided, conflicting classifications (1 of 4 stars). 2 submissions from 2 submitters: Pathogenic (1); Uncertain significance (1). Last evaluated 2024-04-25.

Conditions:
CHARGE syndrome (CHARGE). Also called: Hittner Hirsch Kreh syndrome; CHARGE ASSOCIATION--COLOBOMA, HEART ANOMALY, CHOANAL ATRESIA, RETARDATION, GENITAL AND EAR ANOMALIES; Coloboma, heart anomaly, choanal atresia, retardation, genital and ear anomalies; CHARGE association; Hall-Hittner syndrome. Identifiers: Orphanet 138, MedGen C0265354, MONDO:0008965.

Submissions (2):

Labcorp Genetics (formerly Invitae), Labcorp
Classification: Pathogenic for CHARGE syndrome. Last evaluated: 2024-04-25. Review status: criteria provided, single submitter. Criteria: Invitae Variant Classification Sherloc (09022015). Collection method: clinical testing. Allele origin: germline.
Comment: This sequence change creates a premature translational stop signal (p.Gly2986Trpfs*4) in the CHD7 gene. While this is not anticipated to result in nonsense mediated decay, it is expected to disrupt the last 12 amino acid(s) of the CHD7 protein. This variant is not present in population databases (gnomAD no frequency). This variant has not been reported in the literature in individuals affected with CHD7-related conditions. Algorithms developed to predict the effect of sequence changes on RNA splicing suggest that this variant may create or strengthen a splice site. This variant disrupts a region of the CHD7 protein in which other variant(s) (p.Asp2988Glyfs*2) have been determined to be pathogenic (PMID: 18073582, 31564432). This suggests that this is a clinically significant region of the protein, and that variants that disrupt it are likely to be disease-causing. For these reasons, this variant has been classified as Pathogenic.

Neuberg Centre For Genomic Medicine, NCGM
Classification: Uncertain significance for CHD7-related CHARGE syndrome. Review status: criteria provided, single submitter. Criteria: ACMG Guidelines, 2015. Collection method: clinical testing. Allele origin: germline. Inheritance: Autosomal dominant inheritance. Affected: yes.
Comment: The observed frameshift c.8955dupp.Gly2986TrpfsTer4 variant CHD7 in CACNA1E gene has not been reported previously as a pathogenic variant nor as a benign variant, to our knowledge. The p.Gly2986TrpfsTer4 variant is absent in gnomAD Exomes database. This variant has not been submitted to the ClinVar database. This variant causes a frameshift starting with codon Glycine 2986, changes this amino acid to Tryptophan residue, and creates a premature Stop codon at position 4 of the new reading frame, denoted p.Gly2986TrpfsTer4. Loss of function variants have been previously reported to be disease causing. However since this variant is present in the last exon, functional studies will be required to prove pathogenicity of the variant. For these reasons, this variant has been classified as Uncertain Significance VUS.

Literature cited by the submitters: PubMed 18073582 (cited by Labcorp Genetics (formerly Invitae), Labcorp); PubMed 31564432 (cited by Labcorp Genetics (formerly Invitae), Labcorp).